The following is an entry in ClinVar:

ClinVar aggregate classification (germline): Uncertain significance (1 of 4 stars; one submission).

Conditions:
Hereditary nonpolyposis colorectal neoplasms. Identifiers: MedGen C0009405, MeSH D003123.

Submission:

Labcorp Genetics (formerly Invitae), Labcorp
Classification: Uncertain significance for Hereditary nonpolyposis colorectal neoplasms. Last evaluated: 2021-03-09. Review status: criteria provided, single submitter. Criteria: Invitae Variant Classification Sherloc (09022015). Collection method: clinical testing. Allele origin: germline.
Comment: This sequence change replaces glutamic acid with aspartic acid at codon 667 of the PMS2 protein (p.Glu667Asp). The glutamic acid residue is moderately conserved and there is a small physicochemical difference between glutamic acid and aspartic acid. This variant is not present in population databases (ExAC no frequency). This variant has not been reported in the literature in individuals with PMS2-related conditions. Advanced modeling of protein sequence and biophysical properties (such as structural, functional, and spatial information, amino acid conservation, physicochemical variation, residue mobility, and thermodynamic stability) performed at Invitae indicates that this missense variant is not expected to disrupt PMS2 protein function. In summary, the available evidence is currently insufficient to determine the role of this variant in disease. Therefore, it has been classified as a Variant of Uncertain Significance.

NM_000535.7(PMS2):c.2001G>C (p.Glu667Asp)

Gene: PMS2 (PMS1 homolog 2, mismatch repair system component; minus strand). Cytogenetic location: 7p22.1.
Variant type: single nucleotide variant.
Coding change: c.2001G>C on transcript NM_000535.7 (MANE Select); coding-DNA position 2001, G replaced by C.
Protein change: p.Glu667Asp; replaces glutamic acid 667 with aspartic acid.
Molecular consequence: missense variant. On other transcripts: non-coding transcript variant (1).
Genome position (GRCh38, 1-based): chr7:5,986,764, C>G on the plus strand (G>C on the coding strand, the complement: PMS2 is on the minus strand). VCF-style: chr7-5986764-C-G. GRCh37 (hg19) VCF-style: chr7-6026395-C-G.
Other names: c.1596G>C, p.Glu532Asp (NM_001322003.2, NM_001322004.2, NM_001322005.2 and 1 more transcripts); c.1845G>C, p.Glu615Asp (NM_001322006.2); c.1683G>C, p.Glu561Asp (NM_001322007.2, NM_001322008.2); c.1440G>C, p.Glu480Asp (NM_001322010.2); c.1068G>C, p.Glu356Asp (NM_001322011.2, NM_001322012.2); c.1428G>C, p.Glu476Asp (NM_001322013.2); c.2001G>C, p.Glu667Asp (NM_001322014.2); c.1692G>C, p.Glu564Asp (NM_001322015.2); short protein forms E356D, E476D, E615D, E480D, E667D, E532D, E561D, E564D.
Identifiers: ClinVar variation 1513445 (VCV001513445.8), dbSNP rs1562624926, ClinGen allele CA366738871.